The following is an entry in ClinVar:

NM_001854.4(COL11A1):c.4387C>A (p.Pro1463Thr)

Gene: COL11A1 (collagen type XI alpha 1 chain; minus strand). Cytogenetic location: 1p21.1.
Variant type: single nucleotide variant.
Coding change: c.4387C>A on transcript NM_001854.4 (MANE Select); coding-DNA position 4387, C replaced by A.
Protein change: p.Pro1463Thr; replaces proline 1463 with threonine.
Molecular consequence: missense variant. On other transcripts: non-coding transcript variant (1).
Genome position (GRCh38, 1-based): chr1:102,889,532, G>T on the plus strand (C>A on the coding strand, the complement: COL11A1 is on the minus strand). VCF-style: chr1-102889532-G-T. GRCh37 (hg19) VCF-style: chr1-103355088-G-T.
Other names: c.4270C>A, p.Pro1424Thr (NM_001190709.2); c.4423C>A, p.Pro1475Thr (NM_080629.3); c.4039C>A, p.Pro1347Thr (NM_080630.4); short protein forms P1463T, P1475T, P1347T, P1424T.
Identifiers: ClinVar variation 1408522 (VCV001408522.8), dbSNP rs1261468907, ClinGen allele CA341212736.

ClinVar aggregate classification (germline): Uncertain significance (1 of 4 stars; one submission).

Allele frequency attached by ClinVar (database versions not stated): gnomAD exomes below 0.00001; TOPMed below 0.00001; gnomAD 0.00001.
gnomAD v4.1: 2 of 1,613,336 alleles (0.00012%); highest among the groups gnomAD compares: Admixed American, 0.0017%; no homozygotes.

Submission:

Labcorp Genetics (formerly Invitae), Labcorp
Classification: Uncertain significance. Last evaluated: 2023-08-04. Review status: criteria provided, single submitter. Criteria: Invitae Variant Classification Sherloc (09022015). Collection method: clinical testing. Allele origin: germline.
Comment: Algorithms developed to predict the effect of sequence changes on RNA splicing suggest that this variant may disrupt the consensus splice site. This sequence change replaces proline, which is neutral and non-polar, with threonine, which is neutral and polar, at codon 1463 of the COL11A1 protein (p.Pro1463Thr). This variant is not present in population databases (gnomAD no frequency). This variant has not been reported in the literature in individuals affected with COL11A1-related conditions. ClinVar contains an entry for this variant (Variation ID: 1408522). Advanced modeling of protein sequence and biophysical properties (such as structural, functional, and spatial information, amino acid conservation, physicochemical variation, residue mobility, and thermodynamic stability) has been performed at Invitae for this missense variant, however the output from this modeling did not meet the statistical confidence thresholds required to predict the impact of this variant on COL11A1 protein function. In summary, the available evidence is currently insufficient to determine the role of this variant in disease. Therefore, it has been classified as a Variant of Uncertain Significance.